The following is an entry in ClinVar:

ClinVar aggregate classification (germline): Uncertain significance (1 of 4 stars; one submission).

gnomAD v4.1: 4 of 1,614,018 alleles (0.00025%); highest among the groups gnomAD compares: African/African-American, 0.0053%; no homozygotes.

Submission:

Labcorp Genetics (formerly Invitae), Labcorp
Classification: Uncertain significance. Last evaluated: 2025-09-30. Review status: criteria provided, single submitter. Criteria: Invitae Variant Classification Sherloc (09022015). Collection method: clinical testing. Allele origin: germline.
Comment: This sequence change replaces aspartic acid, which is acidic and polar, with asparagine, which is neutral and polar, at codon 425 of the DDX58 protein (p.Asp425Asn). This variant is present in population databases (rs144361980, gnomAD 0.02%). This variant has not been reported in the literature in individuals affected with DDX58-related conditions. Invitae Evidence Modeling of protein sequence and biophysical properties (such as structural, functional, and spatial information, amino acid conservation, physicochemical variation, residue mobility, and thermodynamic stability) indicates that this missense variant is not expected to disrupt DDX58 protein function with a negative predictive value of 80%. In summary, the available evidence is currently insufficient to determine the role of this variant in disease. Therefore, it has been classified as a Variant of Uncertain Significance.

NM_014314.4(RIGI):c.1273G>A (p.Asp425Asn)

Gene: RIGI (RNA sensor RIG-I; minus strand). Cytogenetic location: 9p21.1.
Variant type: single nucleotide variant.
Coding change: c.1273G>A on transcript NM_014314.4 (MANE Select); coding-DNA position 1273, G replaced by A.
Protein change: p.Asp425Asn; replaces aspartic acid 425 with asparagine.
Molecular consequence: missense variant.
Genome position (GRCh38, 1-based): chr9:32,487,573, C>T on the plus strand (G>A on the coding strand, the complement: RIGI is on the minus strand). VCF-style: chr9-32487573-C-T. GRCh37 (hg19) VCF-style: chr9-32487571-C-T.
Other names: c.1267G>A, p.Asp423Asn (NM_001385907.1); c.1273G>A, p.Asp425Asn (NM_001385909.1); c.832G>A, p.Asp278Asn (NM_001385910.1); c.664G>A, p.Asp222Asn (NM_001385912.1); c.1258G>A, p.Asp420Asn (NM_001385913.1); c.829G>A, p.Asp277Asn (NM_001385914.1); short protein forms D423N, D277N, D278N, D222N, D420N, D425N.
Identifiers: ClinVar variation 4778811 (VCV004778811.1).